The following is an entry in ClinVar:

NM_024675.4(PALB2):c.713G>A (p.Arg238Lys)

Gene: PALB2 (partner and localizer of BRCA2; minus strand). Cytogenetic location: 16p12.2.
Variant type: single nucleotide variant.
Coding change: c.713G>A on transcript NM_024675.4 (MANE Select); coding-DNA position 713, G replaced by A.
Protein change: p.Arg238Lys; replaces arginine 238 with lysine.
Molecular consequence: missense variant.
Genome position (GRCh38, 1-based): chr16:23,635,833, C>T on the plus strand (G>A on the coding strand, the complement: PALB2 is on the minus strand). VCF-style: chr16-23635833-C-T. GRCh37 (hg19) VCF-style: chr16-23647154-C-T.
Other names: short protein forms R238K.
Identifiers: ClinVar variation 631027 (VCV000631027.17), dbSNP rs1567222480, ClinGen allele CA395136331.

ClinVar aggregate classification (germline): Uncertain significance. Review status: criteria provided, multiple submitters, no conflicts (2 of 4 stars). 4 submissions from 4 submitters: Uncertain significance (4). Last evaluated 2025-09-04.

Conditions:
Hereditary cancer-predisposing syndrome. Also called: Tumor predisposition; Neoplastic Syndromes, Hereditary; Hereditary neoplastic syndrome; Hereditary Cancer Syndrome. Identifiers: Orphanet 140162, MedGen C0027672, MeSH D009386, MONDO:0015356.
Familial cancer of breast. Also called: hereditary breast carcinoma; BREAST CANCER, FAMILIAL; Hereditary breast cancer. Identifiers: Orphanet 227535, MedGen C0346153, MONDO:0016419, OMIM 114480. Disease mechanism: loss of function.

Submissions (4):

Ambry Genetics
Classification: Uncertain significance for Hereditary cancer-predisposing syndrome. Last evaluated: 2025-09-04. Review status: criteria provided, single submitter. Criteria: Ambry Variant Classification Scheme 2023. Collection method: clinical testing. Allele origin: germline.
Comment: The p.R238K variant (also known as c.713G>A), located in coding exon 4 of the PALB2 gene, results from a G to A substitution at nucleotide position 713. The arginine at codon 238 is replaced by lysine, an amino acid with highly similar properties. This amino acid position is conserved. In addition, this alteration is predicted to be tolerated by in silico analysis. Based on the available evidence, the clinical significance of this variant remains unclear.

Labcorp Genetics (formerly Invitae), Labcorp
Classification: Uncertain significance for Familial cancer of breast. Last evaluated: 2025-06-16. Review status: criteria provided, single submitter. Criteria: Invitae Variant Classification Sherloc (09022015). Collection method: clinical testing. Allele origin: germline.
Comment: This sequence change replaces arginine, which is basic and polar, with lysine, which is basic and polar, at codon 238 of the PALB2 protein (p.Arg238Lys). This variant is not present in population databases (gnomAD no frequency). This variant has not been reported in the literature in individuals affected with PALB2-related conditions. ClinVar contains an entry for this variant (Variation ID: 631027). An algorithm developed to predict the effect of missense changes on protein structure and function outputs the following: PolyPhen-2: "Benign". The lysine amino acid residue is found in multiple mammalian species, which suggests that this missense change does not adversely affect protein function. In summary, the available evidence is currently insufficient to determine the role of this variant in disease. Therefore, it has been classified as a Variant of Uncertain Significance.

Color Diagnostics, LLC DBA Color Health
Classification: Uncertain significance for Hereditary cancer-predisposing syndrome. Last evaluated: 2023-12-05. Review status: criteria provided, single submitter. Criteria: ACMG Guidelines, 2015. Collection method: clinical testing. Allele origin: germline.
Comment: This missense variant replaces arginine with lysine at codon 238 of the PALB2 protein. Computational prediction suggests that this variant may not impact protein structure and function (internally defined REVEL score threshold <= 0.5, PMID: 27666373). To our knowledge, functional studies have not been reported for this variant. This variant has not been reported in individuals affected with PALB2-related disorders in the literature. This variant has not been identified in the general population by the Genome Aggregation Database (gnomAD). The available evidence is insufficient to determine the role of this variant in disease conclusively. Therefore, this variant is classified as a Variant of Uncertain Significance.

Sema4
Classification: Uncertain significance for Hereditary cancer-predisposing syndrome. Last evaluated: 2021-10-24. Review status: criteria provided, single submitter. Criteria: Sema4 Curation Guidelines. Collection method: curation. Allele origin: germline.
Comment: The PALB2 c.713G>A (p.R238K) variant has not been reported in the literature to our knowledge. It was not observed in the large and broad cohorts of the Genome Aggregation Database (PMID: 32461654). The variant has been reported in ClinVar (Variation ID 631027). In silico tools suggest the impact of the variant on protein function is benign, though these predictions have not been confirmed by functional studies. The evidence is insufficient to meet ACMG/AMP criteria for classifying the variant as benign or pathogenic. Thus, the clinical significance of this variant is currently uncertain.